The following is an entry in ClinVar:

ClinVar aggregate classification (germline): Conflicting classifications of pathogenicity. Review status: criteria provided, conflicting classifications (1 of 4 stars). 2 submissions from 2 submitters: Likely pathogenic (1); Uncertain significance (1). Last evaluated 2023-09-28.

Conditions:
Hereditary orotic aciduria, type 1. Also called: Orotic aciduria type 1; Oroticaciduria 1. Identifiers: MedGen C0268130.
Inborn genetic diseases. Identifiers: MedGen C0950123, MeSH D030342.

Allele frequency attached by ClinVar (database versions not stated): TOPMed 0.00011; gnomAD 0.00014 and 0.00015.

Submissions (2):

Ambry Genetics
Classification: Likely pathogenic for Inborn genetic diseases. Last evaluated: 2023-09-28. Review status: criteria provided, single submitter. Criteria: Ambry Variant Classification Scheme 2023. Collection method: clinical testing. Allele origin: germline.
Comment: The c.689G>A (p.R230H) alteration is located in exon 3 (coding exon 3) of the UMPS gene. This alteration results from a G to A substitution at nucleotide position 689, causing the arginine (R) at amino acid position 230 to be replaced by a histidine (H). Based on data from gnomAD, the A allele has an overall frequency of 0.003% (8/282820) total alleles studied. The highest observed frequency was 0.017% (6/35436) of Latino alleles. This variant has been detected in an individual with orotic aciduria and was reported to be inherited from a mother with orotic aciduria (Wortmann, 2017). This amino acid position is highly conserved in available vertebrate species. This alteration is predicted to be tolerated by in silico analysis. Based on the available evidence, this alteration is classified as likely pathogenic.

Labcorp Genetics (formerly Invitae), Labcorp
Classification: Uncertain significance for Hereditary orotic aciduria, type 1. Last evaluated: 2023-02-28. Review status: criteria provided, single submitter. Criteria: Invitae Variant Classification Sherloc (09022015). Collection method: clinical testing. Allele origin: germline.
Comment: Advanced modeling of protein sequence and biophysical properties (such as structural, functional, and spatial information, amino acid conservation, physicochemical variation, residue mobility, and thermodynamic stability) performed at Invitae indicates that this missense variant is expected to disrupt UMPS protein function. This sequence change replaces arginine, which is basic and polar, with histidine, which is basic and polar, at codon 230 of the UMPS protein (p.Arg230His). This variant is present in population databases (no rsID available, gnomAD 0.02%). This missense change has been observed in individual(s) with orotic aciduria (PMID: 28205048). ClinVar contains an entry for this variant (Variation ID: 960686). In summary, the available evidence is currently insufficient to determine the role of this variant in disease. Therefore, it has been classified as a Variant of Uncertain Significance.

Literature cited by the submitters: PubMed 28205048 (cited by Ambry Genetics and Labcorp Genetics (formerly Invitae), Labcorp).

NM_000373.4(UMPS):c.689G>A (p.Arg230His)

Gene: UMPS (uridine monophosphate synthetase; plus strand). Cytogenetic location: 3q21.2.
Variant type: single nucleotide variant.
Coding change: c.689G>A on transcript NM_000373.4 (MANE Select); coding-DNA position 689, G replaced by A.
Protein change: p.Arg230His; replaces arginine 230 with histidine.
Molecular consequence: missense variant. On other transcripts: non-coding transcript variant (2).
Genome position (GRCh38, 1-based): chr3:124,737,946, G>A. VCF-style: chr3-124737946-G-A. GRCh37 (hg19) VCF-style: chr3-124456793-G-A.
Other names: short protein forms R230H.
Identifiers: ClinVar variation 960686 (VCV000960686.8), dbSNP rs772815894, ClinGen allele CA83056018.
Genomic context (GRCh38, chr3:124,737,946, plus strand): 5'-ATCATAATGGTTCTCCCCTTTCTATAAAGGAAGCACCCAAAGAACTCAGCTTCGGTGCAC[G>A]TGCAGAGCTGCCCAGGATCCACCCAGTTGCATCGAAGCTTCTCAGGCTTATGCAAAAGAA-3'
Protein context (NP_000364.1, residues 220-240): EAPKELSFGA[Arg230His]AELPRIHPVA